The following is an entry in ClinVar:

ClinVar aggregate classification (germline): Benign (1 of 4 stars; one submission).

Allele frequency attached by ClinVar (database versions not stated): 1000 Genomes Project 0.01997; 1000 Genomes Project 30x 0.02061; gnomAD 0.02070 and 0.02244; TOPMed 0.02353.
gnomAD v4.1: 3,120 of 152,146 alleles (2.1%); highest among the groups gnomAD compares: African/African-American, 7.1%; 122 homozygotes.

Submission:

GeneDx
Classification: Benign. Last evaluated: 2018-06-14. Review status: criteria provided, single submitter. Criteria: GeneDx Variant Classification (06012015). Collection method: clinical testing. Allele origin: germline. Affected: yes.
Comment: This variant is considered likely benign or benign based on one or more of the following criteria: it is a conservative change, it occurs at a poorly conserved position in the protein, it is predicted to be benign by multiple in silico algorithms, and/or has population frequency not consistent with disease.

NM_005159.5(ACTC1):c.990+236C>T

Genes: ACTC1 (actin alpha cardiac muscle 1; minus strand), GJD2-DT (GJD2 divergent transcript; plus strand). Cytogenetic location: 15q14.
Variant type: single nucleotide variant.
Coding change: c.990+236C>T on transcript NM_005159.5 (MANE Select); 236 bases into the intron after coding-DNA position 990, C replaced by T.
Molecular consequence: intron variant.
Genome position (GRCh38, 1-based): chr15:34,790,878, G>A on the plus strand (C>T on the coding strand, the complement: ACTC1 is on the minus strand). VCF-style: chr15-34790878-G-A. GRCh37 (hg19) VCF-style: chr15-35083079-G-A.
Identifiers: ClinVar variation 678007 (VCV000678007.1), dbSNP rs73387696, ClinGen allele CA268660585.